The following is an entry in ClinVar:

ClinVar aggregate classification (germline): Uncertain significance (1 of 4 stars; one submission).

Conditions:
Foveal hypoplasia - optic nerve decussation defect - anterior segment dysgenesis syndrome. Also called: FOVEAL HYPOPLASIA 2 WITH OR WITHOUT OPTIC NERVE MISROUTING AND/OR ANTERIOR SEGMENT DYSGENESIS; FOVEAL HYPOPLASIA 2 WITH OPTIC NERVE DECUSSATION DEFECTS AND ANTERIOR SEGMENT DYSGENESIS WITHOUT ALBINISM; Foveal hypoplasia 2; FOVEAL HYPOPLASIA 2 WITH OR WITHOUT MICROPHTHALMIA OR COLOBOMA. Identifiers: Orphanet 397618, MedGen C3807873, MONDO:0012216, OMIM 609218.

gnomAD v4.1: 1 of 1,614,010 alleles (0.000062%); highest among the groups gnomAD compares: Admixed American, 0.0017%; no homozygotes.

Submission:

Juno Genomics, Hangzhou Juno Genomics, Inc
Classification: Uncertain significance for Foveal hypoplasia - optic nerve decussation defect - anterior segment dysgenesis syndrome. Review status: criteria provided, single submitter. Criteria: ACMG Guidelines, 2015. Collection method: clinical testing. Allele origin: germline. Affected: yes.
Comment: Absent from controls (or at extremely low frequency if recessive) in Genome Aggregation Database, Exome Sequencing Project, 1000 Genomes Project, or Exome Aggregation Consortium.

NM_001080442.3(SLC38A8):c.884T>A (p.Ile295Asn)

Gene: SLC38A8 (solute carrier family 38 member 8; minus strand). Cytogenetic location: 16q23.3.
Variant type: single nucleotide variant.
Coding change: c.884T>A on transcript NM_001080442.3 (MANE Select); coding-DNA position 884, T replaced by A.
Protein change: p.Ile295Asn; replaces isoleucine 295 with asparagine.
Molecular consequence: missense variant.
Genome position (GRCh38, 1-based): chr16:84,017,209, A>T on the plus strand (T>A on the coding strand, the complement: SLC38A8 is on the minus strand). VCF-style: chr16-84017209-A-T. GRCh37 (hg19) VCF-style: chr16-84050814-A-T.
Other names: short protein forms I295N.
Identifiers: ClinVar variation 3382411 (VCV003382411.2).